The following is an entry in ClinVar:

NM_006231.4(POLE):c.2981T>G (p.Leu994Arg)

Gene: POLE (DNA polymerase epsilon, catalytic subunit; minus strand). Cytogenetic location: 12q24.33.
Variant type: single nucleotide variant.
Coding change: c.2981T>G on transcript NM_006231.4 (MANE Select); coding-DNA position 2981, T replaced by G.
Protein change: p.Leu994Arg; replaces leucine 994 with arginine.
Molecular consequence: missense variant.
Genome position (GRCh38, 1-based): chr12:132,661,048, A>C on the plus strand (T>G on the coding strand, the complement: POLE is on the minus strand). VCF-style: chr12-132661048-A-C. GRCh37 (hg19) VCF-style: chr12-133237634-A-C.
Other names: short protein forms L994R.
Identifiers: ClinVar variation 1518496 (VCV001518496.8), dbSNP rs2138690245, ClinGen allele CA387392399.

ClinVar aggregate classification (germline): Uncertain significance (1 of 4 stars; one submission).

Submission:

Labcorp Genetics (formerly Invitae), Labcorp
Classification: Uncertain significance. Last evaluated: 2022-11-28. Review status: criteria provided, single submitter. Criteria: Invitae Variant Classification Sherloc (09022015). Collection method: clinical testing. Allele origin: germline.
Comment: Advanced modeling of protein sequence and biophysical properties (such as structural, functional, and spatial information, amino acid conservation, physicochemical variation, residue mobility, and thermodynamic stability) performed at Invitae indicates that this missense variant is expected to disrupt POLE protein function. This sequence change replaces leucine, which is neutral and non-polar, with arginine, which is basic and polar, at codon 994 of the POLE protein (p.Leu994Arg). This variant is not present in population databases (gnomAD no frequency). This variant has not been reported in the literature in individuals affected with POLE-related conditions. ClinVar contains an entry for this variant (Variation ID: 1518496). In summary, the available evidence is currently insufficient to determine the role of this variant in disease. Therefore, it has been classified as a Variant of Uncertain Significance.